The following is an entry in ClinVar:

NM_002693.3(POLG):c.3G>C (p.Met1Ile)

Genes: POLG (DNA polymerase gamma, catalytic subunit; minus strand), POLGARF (POLG alternative reading frame; minus strand). Cytogenetic location: 15q26.1.
Variant type: single nucleotide variant.
Coding change: c.3G>C on transcript NM_002693.3 (MANE Select); coding-DNA position 3, G replaced by C.
Protein change: p.Met1Ile; changes the start codon (methionine 1).
Molecular consequence: missense variant, initiator codon variant.
Genome position (GRCh38, 1-based): chr15:89,333,752, C>G on the plus strand (G>C on the coding strand, the complement: POLG is on the minus strand). VCF-style: chr15-89333752-C-G. GRCh37 (hg19) VCF-style: chr15-89876983-C-G.
Other names: c.3G>C, p.Met1Ile (NM_001126131.2); short protein forms M1I.
Identifiers: ClinVar variation 1370922 (VCV001370922.7), dbSNP rs878877754, ClinGen allele CA274566850.
Genomic context (GRCh38, chr15:89,333,752, plus strand): 5'-AGCTGGAACCGGCCCTGGCCCGACGGTGGCGCCGGCCACCTTCCTCCAGAGCAGGCGGCT[C>G]ATGGTTGGTGCAGGGACCCCCACGCTGGGAGTCAGAACACCTGGCTTTGGGCTCCAGCTT-3'
Protein context (NP_002684.1, residues 1-11): [Met1Ile]SRLLWRKVAG

ClinVar aggregate classification (germline): Uncertain significance (1 of 4 stars; one submission).

Conditions:
Progressive sclerosing poliodystrophy (MTDPS4A). Also called: Mitochondrial DNA depletion syndrome 4A (Alpers type); ALPERS PROGRESSIVE INFANTILE POLIODYSTROPHY; NEURONAL DEGENERATION OF CHILDHOOD WITH LIVER DISEASE, PROGRESSIVE; Mitochondrial DNA Depletion Syndrome 4A; Alpers-Huttenlocher Syndrome (AHS); Alpers Syndrome. Identifiers: Orphanet 726, MedGen C0205710, MONDO:0008758, OMIM 203700.

Allele frequency attached by ClinVar (database versions not stated): TOPMed below 0.00001; gnomAD 0.00002.
gnomAD v4.1: 3 of 1,535,110 alleles (0.0002%); highest among the groups gnomAD compares: African/African-American, 0.0041%; no homozygotes.

Submission:

Labcorp Genetics (formerly Invitae), Labcorp
Classification: Uncertain significance for Progressive sclerosing poliodystrophy. Last evaluated: 2025-12-04. Review status: criteria provided, single submitter. Criteria: Invitae Variant Classification Sherloc (09022015). Collection method: clinical testing. Allele origin: germline.
Comment: This sequence change affects the initiator codon of the POLG mRNA. This change may impact translation initiation or efficiency. The next in-frame methionine is located at codon 78. This variant is present in population databases (no rsID available, gnomAD 0.01%). Disruption of the initiator codon has been observed in individual(s) with Alpers syndrome (PMID: 31665838). ClinVar contains an entry for this variant (Variation ID: 1370922). Experimental studies and prediction algorithms are not available or were not evaluated, and the functional significance of this variant is currently unknown. In summary, the available evidence is currently insufficient to determine the role of this variant in disease. Therefore, it has been classified as a Variant of Uncertain Significance.

Literature cited by the submitters: PubMed 31665838.